The following is an entry in ClinVar:

ClinVar aggregate classification (germline): Likely benign (1 of 4 stars; one submission).

Conditions:
Wilson disease (WND). Also called: Wilson's disease. Identifiers: Orphanet 905, MedGen C0019202, MONDO:0010200, OMIM 277900. Disease mechanism: loss of function.

Submission:

All of Us Research Program, National Institutes of Health
Classification: Likely benign for Wilson disease. Last evaluated: 2024-02-22. Review status: criteria provided, single submitter. Criteria: ACMG Guidelines, 2015. Collection method: clinical testing. Allele origin: germline. Inheritance: Autosomal recessive inheritance. Observed: 1 variant allele, 1 heterozygote.
Comment: This study involves interpretation of variants in research participants for the purpose of population health screening. Participant phenotype was not available at the time of variant classification. Additional details can be found in publication PMID: 35346344, PMCID: PMC8962531

NM_000053.4(ATP7B):c.2253T>C (p.Ala751=)

Gene: ATP7B (ATPase copper transporting beta; minus strand). Cytogenetic location: 13q14.3.
Variant type: single nucleotide variant.
Coding change: c.2253T>C on transcript NM_000053.4 (MANE Select); coding-DNA position 2253, T replaced by C.
Protein change: p.Ala751=; no amino-acid change (alanine 751 retained).
Molecular consequence: synonymous variant. On other transcripts: intron variant (20).
Genome position (GRCh38, 1-based): chr13:51,958,413, A>G on the plus strand (T>C on the coding strand, the complement: ATP7B is on the minus strand). VCF-style: chr13-51958413-A-G. GRCh37 (hg19) VCF-style: chr13-52532549-A-G.
Other names: c.2001T>C, p.Ala667= (NM_001330579.2, NM_001406531.1, NM_001406532.1 and 1 more transcripts); c.2253T>C, p.Ala751= (NM_001406511.1, NM_001406512.1, NM_001406513.1 and 7 more transcripts); c.2157T>C, p.Ala719= (NM_001406517.1, NM_001406518.1); c.2220T>C, p.Ala740= (NM_001406514.1); c.1920T>C, p.Ala640= (NM_001243182.2); c.1824T>C, p.Ala608= (NM_001406539.1); c.1905T>C, p.Ala635= (NM_001406543.1); c.1870-806T>C (NM_001406541.1, NM_001005918.3, NM_001406546.1 and 1 more transcripts); and 8 more.
Identifiers: ClinVar variation 3387750 (VCV003387750.1).